The following is an entry in ClinVar:

NM_001482.3(GATM):c.778C>T (p.Arg260Ter)

Gene: GATM (glycine amidinotransferase; minus strand). Cytogenetic location: 15q21.1.
Variant type: single nucleotide variant.
Coding change: c.778C>T on transcript NM_001482.3 (MANE Select); coding-DNA position 778, C replaced by T.
Protein change: p.Arg260Ter; replaces arginine 260 with a stop codon.
Molecular consequence: nonsense.
Genome position (GRCh38, 1-based): chr15:45,366,406, G>A on the plus strand (C>T on the coding strand, the complement: GATM is on the minus strand). VCF-style: chr15-45366406-G-A. GRCh37 (hg19) VCF-style: chr15-45658604-G-A.
Other names: p.R260*:CGA>TGA; NM_001482.3(GATM):c.778C>T; p.Arg260Ter; c.391C>T, p.Arg131Ter (NM_001321015.2); short protein forms R260*, R131*.
Identifiers: ClinVar variation 205617 (VCV000205617.7), dbSNP rs775933965, ClinGen allele CA314876.

ClinVar aggregate classification (germline): Likely pathogenic. Review status: reviewed by expert panel (3 of 4 stars). 3 submissions from 3 submitters: Likely pathogenic (1). 2 of the submissions do not count toward it. Last evaluated 2025-05-22.

Conditions:
Arginine:glycine amidinotransferase deficiency (CCDS3). Also called: AGAT deficiency; L-Arginine:Glycine Amidinotransferase (AGAT) Deficiency; Cerebral creatine deficiency syndrome 3; L-Arginine:Glycine Amidinotransferase Deficiency; Creatine deficiency syndrome due to AGAT deficiency; GATM deficiency. Identifiers: Orphanet 35704, MedGen C2675179, MONDO:0012996, OMIM 612718.

Allele frequency attached by ClinVar (database versions not stated): gnomAD exomes below 0.00001; ExAC 0.00001; gnomAD 0.00001.
gnomAD v4.1: 1 of 1,613,998 alleles (0.000062%); highest among the groups gnomAD compares: Non-Finnish European, 0.000085%; no homozygotes.

Submissions (3):

ClinGen Cerebral Creatine Deficiency Syndromes Variant Curation Expert Panel, ClinGen
Classification: Likely pathogenic for Arginine:glycine amidinotransferase deficiency. Last evaluated: 2025-05-22. Review status: reviewed by expert panel. Criteria: ClinGen CCDS ACMG Specifications GATM V2.0.0. Collection method: curation. Allele origin: germline. Inheritance: Autosomal recessive inheritance.
Comment: The NM_001482.3: c.778C>T (p.Arg260Ter) variant in GATM is a nonsense variant predicted to cause a premature stop codon in biologically-relevant-exon 5 out of a total of 9 exons, leading to nonsense mediated decay in a gene in which loss-of-function is an established disease mechanism (PVS1). The highest population minor allele frequency in gnomAD v4.1.0. is 8.474e-7 (1/1180024 alleles) in the European non-Finnish population, which is lower than the ClinGen CCDS VCEP’s threshold for PM2_Supporting (<0.000055), meeting this criterion (PM2_Supporting). To our knowledge, this variant has not been reported in the published literature. However, there is a ClinVar entry for this variant (Variation ID: 205617). The variant has been observed in a child with seizures referred for an epilepsy panel (GeneDx); no second variant in GATM was identified (insufficient evidence for PP4 or PM3). The classification of this variant has been upgraded from Variant of Uncertain Significance to Likely Pathogenic based on the recommendations of the ClinGen Sequence Variant Interpretation Working Group, that a variant meeting PVS1 and PM2_Supporting is classified as Likely Pathogenic. GATM-specific ACMG/AMP codes met, as specified by the ClinGen Cerebral Creatine Deficiency Syndromes VCEP (Specifications Version 2.0.0): PVS1, PM2_Supporting. (Classification approved by the ClinGen CCDS VCEP on May 22, 2025).

Labcorp Genetics (formerly Invitae), Labcorp
Classification: Pathogenic for Arginine:glycine amidinotransferase deficiency. Last evaluated: 2023-04-10. Review status: criteria provided, single submitter. Criteria: Invitae Variant Classification Sherloc (09022015). Collection method: clinical testing. Allele origin: germline. Not counted in ClinVar's aggregate classification.
Comment: This variant is not present in population databases (gnomAD no frequency). For these reasons, this variant has been classified as Pathogenic. ClinVar contains an entry for this variant (Variation ID: 205617). This variant has not been reported in the literature in individuals affected with GATM-related conditions. This sequence change creates a premature translational stop signal (p.Arg260*) in the GATM gene. It is expected to result in an absent or disrupted protein product. Loss-of-function variants in GATM are known to be pathogenic (PMID: 11555793).

GeneDx
Classification: Pathogenic. Last evaluated: 2012-09-24. Review status: criteria provided, single submitter. Criteria: GeneDx Variant Classification (06012015). Collection method: clinical testing. Allele origin: germline. Affected: yes. Not counted in ClinVar's aggregate classification.
Comment: p.Arg260Stop (CGA>TGA):c.778 C>T in exon 5 of the GATM gene (NM_001482.2). The Arg260Stop nonsense mutation in the GATM gene is predicted to cause loss of normal protein function either through protein truncation or nonsense-mediated mRNA decay. Although this mutation has not been reported previously to our knowledge, it is considered a disease-causing mutation. The variant is found in CHILD-EPI panel(s).

Literature cited by the submitters: PubMed 11555793 (cited by Labcorp Genetics (formerly Invitae), Labcorp).